The following is an entry in ClinVar:

NM_000642.3(AGL):c.3382G>A (p.Ala1128Thr)

Gene: AGL (amylo-alpha-1,6-glucosidase and 4-alpha-glucanotransferase; plus strand). Cytogenetic location: 1p21.2.
Variant type: single nucleotide variant.
Coding change: c.3382G>A on transcript NM_000642.3 (MANE Select); coding-DNA position 3382, G replaced by A.
Protein change: p.Ala1128Thr; replaces alanine 1128 with threonine.
Molecular consequence: missense variant.
Genome position (GRCh38, 1-based): chr1:99,900,655, G>A. VCF-style: chr1-99900655-G-A. GRCh37 (hg19) VCF-style: chr1-100366211-G-A.
Other names: c.3382G>A (NM_000642.2); c.3382G>A, p.Ala1128Thr (NM_000028.3, NM_000643.3, NM_000644.3 and 1 more transcripts); c.3334G>A, p.Ala1112Thr (NM_000646.3); c.3361G>A, p.Ala1121Thr (NM_001425326.1); c.3181G>A, p.Ala1061Thr (NM_001425327.1); c.3178G>A, p.Ala1060Thr (NM_001425328.1); c.3043G>A, p.Ala1015Thr (NM_001425329.1); c.3004G>A, p.Ala1002Thr (NM_001425332.1); short protein forms A1128T, A1112T, A1002T, A1015T, A1060T, A1061T, A1121T.
Identifiers: ClinVar variation 1364096 (VCV001364096.4), dbSNP rs1653752606, ClinGen allele CA341330637.

ClinVar aggregate classification (germline): Uncertain significance. Review status: criteria provided, multiple submitters, no conflicts (2 of 4 stars). 2 submissions from 2 submitters: Uncertain significance (2). Last evaluated 2023-10-24.

Conditions:
Inborn genetic diseases. Identifiers: MedGen C0950123, MeSH D030342.
Glycogen storage disease type III (GSD3). Also called: FORBES DISEASE; Cori disease. Identifiers: Orphanet 366, MedGen C0017922, MONDO:0009291, OMIM 232400.

Allele frequency attached by ClinVar (database versions not stated): gnomAD 0.00001; TOPMed 0.00002.
gnomAD v4.1: 2 of 1,613,676 alleles (0.00012%); highest among the groups gnomAD compares: Admixed American, 0.0017%; no homozygotes.

Submissions (2):

Ambry Genetics
Classification: Uncertain significance for Inborn genetic diseases. Last evaluated: 2023-10-24. Review status: criteria provided, single submitter. Criteria: Ambry Variant Classification Scheme 2023. Collection method: clinical testing. Allele origin: germline.

Labcorp Genetics (formerly Invitae), Labcorp
Classification: Uncertain significance for Glycogen storage disease type III. Last evaluated: 2022-03-19. Review status: criteria provided, single submitter. Criteria: Invitae Variant Classification Sherloc (09022015). Collection method: clinical testing. Allele origin: germline.
Comment: This sequence change replaces alanine, which is neutral and non-polar, with threonine, which is neutral and polar, at codon 1128 of the AGL protein (p.Ala1128Thr). This variant is not present in population databases (gnomAD no frequency). This variant has not been reported in the literature in individuals affected with AGL-related conditions. Algorithms developed to predict the effect of missense changes on protein structure and function are either unavailable or do not agree on the potential impact of this missense change (SIFT: "Deleterious"; PolyPhen-2: "Probably Damaging"; Align-GVGD: "Class C0"). In summary, the available evidence is currently insufficient to determine the role of this variant in disease. Therefore, it has been classified as a Variant of Uncertain Significance.